The following is an entry in ClinVar:

ClinVar aggregate classification (germline): Uncertain significance (1 of 4 stars; one submission).

Conditions:
Autosomal recessive limb-girdle muscular dystrophy type 2U. Also called: MUSCULAR DYSTROPHY, LIMB-GIRDLE, TYPE 2U; Muscular dystrophy-dystroglycanopathy (limb-girdle), type c, 7. Identifiers: Orphanet 352479, MedGen C5190987, MONDO:0014474, OMIM 616052.
Muscular dystrophy-dystroglycanopathy (congenital with brain and eye anomalies), type A, 7. Also called: WALKER-WARBURG SYNDROME OR MUSCLE-EYE-BRAIN DISEASE, ISPD-RELATED; Congenital muscular dystrophy-dystroglycanopathy with brain and eye anomalies, type A7. Identifiers: Orphanet 899, MedGen C3553330, MONDO:0013835, OMIM 614643.

Submission:

Labcorp Genetics (formerly Invitae), Labcorp
Classification: Uncertain significance for Muscular dystrophy-dystroglycanopathy (congenital with brain and eye anomalies), type A, 7; Autosomal recessive limb-girdle muscular dystrophy type 2U. Last evaluated: 2025-05-17. Review status: criteria provided, single submitter. Criteria: Invitae Variant Classification Sherloc (09022015). Collection method: clinical testing. Allele origin: germline.
Comment: This sequence change replaces glycine, which is neutral and non-polar, with tryptophan, which is neutral and slightly polar, at codon 54 of the ISPD protein (p.Gly54Trp). This variant is not present in population databases (gnomAD no frequency). This missense change has been observed in individual(s) with ISPD-related conditions (internal data). ClinVar contains an entry for this variant (Variation ID: 572350). Invitae Evidence Modeling of protein sequence and biophysical properties (such as structural, functional, and spatial information, amino acid conservation, physicochemical variation, residue mobility, and thermodynamic stability) indicates that this missense variant is expected to disrupt ISPD protein function with a positive predictive value of 80%. In summary, the available evidence is currently insufficient to determine the role of this variant in disease. Therefore, it has been classified as a Variant of Uncertain Significance.

NM_001101426.4(CRPPA):c.160G>T (p.Gly54Trp)

Genes: CRPPA (CDP-L-ribitol pyrophosphorylase A; minus strand), LOC129998004 (ATAC-STARR-seq lymphoblastoid silent region 17981; plus strand). Cytogenetic location: 7p21.2.
Variant type: single nucleotide variant.
Coding change: c.160G>T on transcript NM_001101426.4 (MANE Select); coding-DNA position 160, G replaced by T.
Protein change: p.Gly54Trp; replaces glycine 54 with tryptophan.
Molecular consequence: missense variant. On other transcripts: non-coding transcript variant (1).
Genome position (GRCh38, 1-based): chr7:16,421,163, C>A on the plus strand (G>T on the coding strand, the complement: CRPPA is on the minus strand). VCF-style: chr7-16421163-C-A. GRCh37 (hg19) VCF-style: chr7-16460788-C-A.
Other names: c.160G>T, p.Gly54Trp (NM_001101417.4, NM_001368197.1); short protein forms G54W.
Identifiers: ClinVar variation 572350 (VCV000572350.9), dbSNP rs1036959263, ClinGen allele CA367004132.
Genomic context (GRCh38, chr7:16,421,163, plus strand): 5'-TCTCCAGGATGGGGCAGAATTGCTTCGGGGTGGGGACCCCCATCCTCTCCCCGCACCCCC[C>A]GGCAGGCAACACAGCTGCCACGGCTTGCGGGTGGCGCCCGGGCTCGGTCCCGGCCACGCT-3'
Protein context (NP_001094896.1, residues 44-64): PQAVAAVLPA[Gly54Trp]GCGERMGVPT